The following is an entry in ClinVar:

NM_017837.4(PIGV):c.615C>T (p.Asn205=)

Gene: PIGV (phosphatidylinositol glycan anchor biosynthesis class V; plus strand). Cytogenetic location: 1p36.11.
Variant type: single nucleotide variant.
Coding change: c.615C>T on transcript NM_017837.4 (MANE Select); coding-DNA position 615, C replaced by T.
Protein change: p.Asn205=; no amino-acid change (asparagine 205 retained).
Molecular consequence: synonymous variant. On other transcripts: non-coding transcript variant (1), intron variant (3).
Genome position (GRCh38, 1-based): chr1:26,794,649, C>T. VCF-style: chr1-26794649-C-T. GRCh37 (hg19) VCF-style: chr1-27121140-C-T.
Other names: p.Asn205=; c.615C>T, p.Asn205= (NM_001202554.2, NM_001374478.1, NM_001374480.1 and 2 more transcripts); c.234C>T, p.Asn78= (NM_001374483.1); c.173-185C>T (NM_001374484.1, NM_001374485.1); c.79-2914C>T (NM_001374486.1).
Identifiers: ClinVar variation 382935 (VCV000382935.18), dbSNP rs34512715, ClinGen allele CA708082.

ClinVar aggregate classification (germline): Benign/Likely benign. Review status: criteria provided, multiple submitters, no conflicts (2 of 4 stars). 6 submissions from 6 submitters: Benign (4); Likely benign (2). Last evaluated 2026-01-29.

Conditions:
Hyperphosphatasia with impaired intellectual development syndrome 1. Also called: MABRY SYNDROME; Hyperphosphatasia with intellectual disability syndrome 1; GLYCOSYLPHOSPHATIDYLINOSITOL BIOSYNTHESIS DEFECT 2. Identifiers: Orphanet 247262, MedGen C4551502, MONDO:0009398, OMIM 239300.

Allele frequency attached by ClinVar (database versions not stated): gnomAD 0.00934 and 0.00995; ExAC 0.00268; gnomAD exomes 0.00085 and 0.00243; TOPMed 0.01015; ESP Exome Variant Server 0.00823; 1000 Genomes Project 0.01178; 1000 Genomes Project 30x 0.01359.
gnomAD v4.1: 2,703 of 1,614,208 alleles (0.17%); highest among the groups gnomAD compares: African/African-American, 3%; 37 homozygotes.

Submissions (6):

Labcorp Genetics (formerly Invitae), Labcorp
Classification: Benign. Last evaluated: 2026-01-29. Review status: criteria provided, single submitter. Criteria: Invitae Variant Classification Sherloc (09022015). Collection method: clinical testing. Allele origin: germline.

Mayo Clinic Laboratories, Mayo Clinic
Classification: Benign. Last evaluated: 2023-09-14. Review status: criteria provided, single submitter. Criteria: ACMG Guidelines, 2015. Collection method: clinical testing. Allele origin: germline. Observed: 3 variant alleles.

Illumina Laboratory Services, Illumina
Classification: Benign for Hyperphosphatasia with impaired intellectual development syndrome 1. Last evaluated: 2018-01-13. Review status: criteria provided, single submitter. Criteria: ICSL Variant Classification Criteria 13 December 2019. Collection method: clinical testing. Allele origin: germline.
Comment: This variant was observed in the ICSL laboratory as part of a predisposition screen in an ostensibly healthy population. It had not been previously curated by ICSL or reported in the Human Gene Mutation Database (HGMD: prior to June 1st, 2018), and was therefore a candidate for classification through an automated scoring system. Utilizing variant allele frequency, disease prevalence and penetrance estimates, and inheritance mode, an automated score was calculated to assess if this variant is too frequent to cause the disease. Based on the score and internal cut-off values, a variant classified as benign is not then subjected to further curation. The score for this variant resulted in a classification of benign for this disease.

Center for Pediatric Genomic Medicine, Children's Mercy Hospital and Clinics
Classification: Likely benign. Last evaluated: 2017-09-18. Review status: criteria provided, single submitter. Criteria: ACMG Guidelines, 2015. Collection method: clinical testing. Allele origin: germline.

GeneDx
Classification: Benign. Last evaluated: 2016-02-24. Review status: criteria provided, single submitter. Criteria: GeneDx Variant Classification (06012015). Collection method: clinical testing. Allele origin: germline. Affected: yes.
Comment: This variant is considered likely benign or benign based on one or more of the following criteria: it is a conservative change, it occurs at a poorly conserved position in the protein, it is predicted to be benign by multiple in silico algorithms, and/or has population frequency not consistent with disease.

Breakthrough Genomics
Classification: Likely benign. Review status: criteria provided, single submitter. Criteria: ACMG Guidelines, 2015. Collection method: not provided. Allele origin: germline. Inheritance: Autosomal recessive inheritance. Affected: yes.